The following is an entry in ClinVar:

ClinVar aggregate classification (germline): Conflicting classifications of pathogenicity. Review status: criteria provided, conflicting classifications (1 of 4 stars). 7 submissions from 7 submitters: Uncertain significance (5); Likely benign (1). 1 of the submissions does not count toward it. Last evaluated 2026-01-28.

Conditions:
Mucopolysaccharidosis type 1. Also called: Mucopolysaccharidosis Type I; IDUA deficiency; MPS I. Identifiers: Orphanet 579, MedGen C0023786, MONDO:0001586.

Allele frequency attached by ClinVar (database versions not stated): gnomAD 0.00002 and 0.00005; gnomAD exomes 0.00003 and 0.00018; TOPMed 0.00003; ExAC 0.00020; 1000 Genomes Project 0.00040; 1000 Genomes Project 30x 0.00047.
gnomAD v4.1: 49 of 1,607,784 alleles (0.003%); highest among the groups gnomAD compares: East Asian, 0.11%; no homozygotes.

Submissions (7):

Labcorp Genetics (formerly Invitae), Labcorp
Classification: Likely benign for Mucopolysaccharidosis type 1. Last evaluated: 2026-01-28. Review status: criteria provided, single submitter. Criteria: Invitae Variant Classification Sherloc (09022015). Collection method: clinical testing. Allele origin: germline.

Revvity Omics, Revvity
Classification: Uncertain significance. Last evaluated: 2025-07-21. Review status: criteria provided, single submitter. Criteria: ACMG Guidelines, 2015. Collection method: clinical testing. Allele origin: germline.

Blueprint Genetics
Classification: Uncertain significance. Last evaluated: 2023-09-27. Review status: criteria provided, single submitter. Criteria: ACMG Guidelines, 2015. Collection method: clinical testing. Allele origin: germline.

Pangenia Genomics, Pangenia Inc.
Classification: Uncertain significance for Mucopolysaccharidosis type 1. Last evaluated: 2021-11-18. Review status: criteria provided, single submitter. Criteria: ACMG Guidelines, 2015. Collection method: research. Allele origin: unknown. Inheritance: Autosomal recessive inheritance. Affected: yes. Observed: 1 heterozygote.
Comment: The IDUA, c.1093C>G (p.Leu365Val) variant is at extremely low frequency in population database; allele frequency in East Asia population is 0.0025 by gnomAD v2.1.1. Multiple lines of computational evidence support a deleterious effect of this variant (REVEL = 0.768). There are multiple submissions of this variant in ClinVar (Variation ID: 728422) with conflicting interpretations.

Women's Health and Genetics/Laboratory Corporation of America, LabCorp
Classification: Uncertain significance. Last evaluated: 2019-03-22. Review status: criteria provided, single submitter. Criteria: LabCorp Variant Classification Summary - May 2015. Collection method: clinical testing. Allele origin: germline.
Comment: Variant summary: IDUA c.1093C>G (p.Leu365Val) results in a conservative amino acid change in the encoded protein sequence. Four of five in-silico tools predict a damaging effect of the variant on protein function. The variant allele was found at a frequency of 0.00017 in 261854 control chromosomes, predominantly at a frequency of 0.0025 within the East Asian subpopulation in the gnomAD database. This frequency is not significantly higher than expected for a pathogenic variant in IDUA causing Mucopolysaccharidosis Type 1 (0.00017 vs 0.0027), allowing no conclusion about variant significance. To our knowledge, no occurrence of c.1093C>G in individuals affected with Mucopolysaccharidosis Type 1 and no experimental evidence demonstrating its impact on protein function have been reported. No clinical diagnostic laboratories have submitted clinical-significance assessments for this variant to ClinVar after 2014. Based on the evidence outlined above, the variant was classified as uncertain significance.

Illumina Laboratory Services, Illumina
Classification: Uncertain significance for Mucopolysaccharidosis type 1. Last evaluated: 2018-01-13. Review status: criteria provided, single submitter. Criteria: ICSL Variant Classification Criteria 13 December 2019. Collection method: clinical testing. Allele origin: germline.

Natera, Inc.
Classification: Uncertain significance for Mucopolysaccharidosis type I. Last evaluated: 2020-04-23. Review status: no assertion criteria provided. Collection method: clinical testing. Allele origin: germline. Not counted in ClinVar's aggregate classification.

NM_000203.5(IDUA):c.1093C>G (p.Leu365Val)

Gene: IDUA (alpha-L-iduronidase; plus strand). Cytogenetic location: 4p16.3.
Variant type: single nucleotide variant.
Coding change: c.1093C>G on transcript NM_000203.5 (MANE Select); coding-DNA position 1093, C replaced by G.
Protein change: p.Leu365Val; replaces leucine 365 with valine.
Molecular consequence: missense variant. On other transcripts: non-coding transcript variant (1).
Genome position (GRCh38, 1-based): chr4:1,002,389, C>G. VCF-style: chr4-1002389-C-G. GRCh37 (hg19) VCF-style: chr4-996177-C-G.
Other names: c.697C>G, p.Leu233Val (NM_001363576.1); short protein forms L365V, L233V.
Identifiers: ClinVar variation 728422 (VCV000728422.21), dbSNP rs527336882, ClinGen allele CA2802186.